The following is an entry in ClinVar:

NM_003907.3(EIF2B5):c.632G>C (p.Arg211Thr)

Gene: EIF2B5 (eukaryotic translation initiation factor 2B subunit epsilon; plus strand). Cytogenetic location: 3q27.1.
Variant type: single nucleotide variant.
Coding change: c.632G>C on transcript NM_003907.3 (MANE Select); coding-DNA position 632, G replaced by C.
Protein change: p.Arg211Thr; replaces arginine 211 with threonine.
Molecular consequence: missense variant.
Genome position (GRCh38, 1-based): chr3:184,138,023, G>C. VCF-style: chr3-184138023-G-C. GRCh37 (hg19) VCF-style: chr3-183855811-G-C.
Other names: short protein forms R211T.
Identifiers: ClinVar variation 2095262 (VCV002095262.4), dbSNP rs1051462371, ClinGen allele CA355382388.

ClinVar aggregate classification (germline): Uncertain significance (1 of 4 stars; one submission).

Submission:

Labcorp Genetics (formerly Invitae), Labcorp
Classification: Uncertain significance. Last evaluated: 2022-02-20. Review status: criteria provided, single submitter. Criteria: Invitae Variant Classification Sherloc (09022015). Collection method: clinical testing. Allele origin: germline.
Comment: This variant is not present in population databases (gnomAD no frequency). This sequence change replaces arginine, which is basic and polar, with threonine, which is neutral and polar, at codon 211 of the EIF2B5 protein (p.Arg211Thr). This variant has not been reported in the literature in individuals affected with EIF2B5-related conditions. In summary, the available evidence is currently insufficient to determine the role of this variant in disease. Therefore, it has been classified as a Variant of Uncertain Significance. Advanced modeling of protein sequence and biophysical properties (such as structural, functional, and spatial information, amino acid conservation, physicochemical variation, residue mobility, and thermodynamic stability) performed at Invitae indicates that this missense variant is expected to disrupt EIF2B5 protein function.